The following is an entry in ClinVar:

ClinVar aggregate classification (germline): Uncertain significance. Review status: criteria provided, multiple submitters, no conflicts (2 of 4 stars). 2 submissions from 2 submitters: Uncertain significance (2). Last evaluated 2024-09-18.

Allele frequency attached by ClinVar (database versions not stated): gnomAD exomes below 0.00001; TOPMed 0.00004; gnomAD 0.00005.
gnomAD v4.1: 10 of 1,536,490 alleles (0.00065%); highest among the groups gnomAD compares: African/African-American, 0.014%; no homozygotes.

Submissions (2):

Ambry Genetics
Classification: Uncertain significance. Last evaluated: 2024-09-18. Review status: criteria provided, single submitter. Criteria: Ambry Variant Classification Scheme 2023. Collection method: clinical testing. Allele origin: germline.

Labcorp Genetics (formerly Invitae), Labcorp
Classification: Uncertain significance. Last evaluated: 2023-11-18. Review status: criteria provided, single submitter. Criteria: Invitae Variant Classification Sherloc (09022015). Collection method: clinical testing. Allele origin: germline.
Comment: This sequence change replaces isoleucine, which is neutral and non-polar, with valine, which is neutral and non-polar, at codon 684 of the VAV1 protein (p.Ile684Val). The frequency data for this variant in the population databases is considered unreliable, as metrics indicate poor data quality at this position in the gnomAD database. This variant has not been reported in the literature in individuals affected with VAV1-related conditions. ClinVar contains an entry for this variant (Variation ID: 2310238). An algorithm developed to predict the effect of missense changes on protein structure and function (PolyPhen-2) suggests that this variant is likely to be tolerated. In summary, the available evidence is currently insufficient to determine the role of this variant in disease. Therefore, it has been classified as a Variant of Uncertain Significance.

NM_005428.4(VAV1):c.2050A>G (p.Ile684Val)

Gene: VAV1 (vav guanine nucleotide exchange factor 1; plus strand). Cytogenetic location: 19p13.3.
Variant type: single nucleotide variant.
Coding change: c.2050A>G on transcript NM_005428.4 (MANE Select); coding-DNA position 2050, A replaced by G.
Protein change: p.Ile684Val; replaces isoleucine 684 with valine.
Molecular consequence: missense variant.
Genome position (GRCh38, 1-based): chr19:6,848,035, A>G. VCF-style: chr19-6848035-A-G. GRCh37 (hg19) VCF-style: chr19-6848046-A-G.
Other names: c.1984A>G, p.Ile662Val (NM_001258206.2); c.1954A>G, p.Ile652Val (NM_001258207.2); short protein forms I662V, I684V, I652V.
Identifiers: ClinVar variation 2310238 (VCV002310238.6), dbSNP rs1189499025, ClinGen allele CA403635189.